The following is an entry in ClinVar:

NM_002582.4(PARN):c.1499A>G (p.Tyr500Cys)

Gene: PARN (poly(A)-specific ribonuclease; minus strand). Cytogenetic location: 16p13.12.
Variant type: single nucleotide variant.
Coding change: c.1499A>G on transcript NM_002582.4 (MANE Select); coding-DNA position 1499, A replaced by G.
Protein change: p.Tyr500Cys; replaces tyrosine 500 with cysteine.
Molecular consequence: missense variant.
Genome position (GRCh38, 1-based): chr16:14,482,809, T>C on the plus strand (A>G on the coding strand, the complement: PARN is on the minus strand). VCF-style: chr16-14482809-T-C. GRCh37 (hg19) VCF-style: chr16-14576666-T-C.
Other names: c.1316A>G, p.Tyr439Cys (NM_001134477.3); c.1361A>G, p.Tyr454Cys (NM_001242992.2); short protein forms Y439C, Y454C, Y500C.
Identifiers: ClinVar variation 4791033 (VCV004791033.1).

ClinVar aggregate classification (germline): Uncertain significance (1 of 4 stars; one submission).

Conditions:
Pulmonary fibrosis and/or bone marrow failure, Telomere-related, 4. Also called: PULMONARY FIBROSIS AND/OR BONE MARROW FAILURE SYNDROME, TELOMERE-RELATED, 4. Identifiers: Orphanet 2032, MedGen C4225347, MONDO:0014612, OMIM 616371.
Dyskeratosis congenita, autosomal recessive 6 (DKCB6). Identifiers: MedGen C4225356, MONDO:0014600, OMIM 616353.

Submission:

Labcorp Genetics (formerly Invitae), Labcorp
Classification: Uncertain significance for Dyskeratosis congenita, autosomal recessive 6; Pulmonary fibrosis and/or bone marrow failure, Telomere-related, 4. Last evaluated: 2025-10-03. Review status: criteria provided, single submitter. Criteria: Invitae Variant Classification Sherloc (09022015). Collection method: clinical testing. Allele origin: germline.
Comment: This sequence change replaces tyrosine, which is neutral and polar, with cysteine, which is neutral and slightly polar, at codon 500 of the PARN protein (p.Tyr500Cys). This variant is not present in population databases (gnomAD no frequency). This variant has not been reported in the literature in individuals affected with PARN-related conditions. Invitae Evidence Modeling of protein sequence and biophysical properties (such as structural, functional, and spatial information, amino acid conservation, physicochemical variation, residue mobility, and thermodynamic stability) indicates that this missense variant is not expected to disrupt PARN protein function with a negative predictive value of 80%. In summary, the available evidence is currently insufficient to determine the role of this variant in disease. Therefore, it has been classified as a Variant of Uncertain Significance.